The following is an entry in ClinVar:

ClinVar aggregate classification (germline): Likely pathogenic (1 of 4 stars; one submission).

Allele frequency attached by ClinVar (database versions not stated): TOPMed below 0.00001; gnomAD 0.00001.
gnomAD v4.1: 1 of 1,444,522 alleles (0.000069%); highest among the groups gnomAD compares: Non-Finnish European, 0.000094%; no homozygotes.

Submission:

Labcorp Genetics (formerly Invitae), Labcorp
Classification: Likely pathogenic. Last evaluated: 2022-03-11. Review status: criteria provided, single submitter. Criteria: Invitae Variant Classification Sherloc (09022015). Collection method: clinical testing. Allele origin: germline.
Comment: This variant is not present in population databases (gnomAD no frequency). In summary, the currently available evidence indicates that the variant is pathogenic, but additional data are needed to prove that conclusively. Therefore, this variant has been classified as Likely Pathogenic. Algorithms developed to predict the effect of sequence changes on RNA splicing suggest that this variant may disrupt the consensus splice site. This variant has not been reported in the literature in individuals affected with CACNA1B-related conditions. This sequence change affects a donor splice site in intron 44 of the CACNA1B gene. It is expected to disrupt RNA splicing. Variants that disrupt the donor or acceptor splice site typically lead to a loss of protein function (PMID: 16199547), and loss-of-function variants in CACNA1B are known to be pathogenic (PMID: 30982612).

Literature cited by the submitters: PubMed 16199547; PubMed 30982612.

NM_000718.4(CACNA1B):c.6030+1G>C

Gene: CACNA1B (calcium voltage-gated channel subunit alpha1 B; plus strand). Cytogenetic location: 9q34.3.
Variant type: single nucleotide variant.
Coding change: c.6030+1G>C on transcript NM_000718.4 (MANE Select); the canonical splice donor site of the intron after coding-DNA position 6030, G replaced by C.
Molecular consequence: splice donor variant.
Genome position (GRCh38, 1-based): chr9:138,118,769, G>C. VCF-style: chr9-138118769-G-C. GRCh37 (hg19) VCF-style: chr9-141013221-G-C.
Other names: c.6030+1G>C (NM_001243812.2).
Identifiers: ClinVar variation 2108797 (VCV002108797.4), dbSNP rs1404269505, ClinGen allele CA375820495.